The following is an entry in ClinVar:

ClinVar aggregate classification (germline): Uncertain significance. Review status: criteria provided, multiple submitters, no conflicts (2 of 4 stars). 2 submissions from 2 submitters: Uncertain significance (2). Last evaluated 2026-04-14.

Conditions:
Familial intrahepatic cholestasis. Identifiers: Orphanet 284385, MedGen CN296401, MONDO:0017290.
Low phospholipid associated cholelithiasis (GBD1). Also called: Gallstone cholecystitis; Gallbladder disease 1. Identifiers: Orphanet 69663, MedGen C2609268, MONDO:0010939, OMIM 600803.

gnomAD v4.1: 3 of 1,613,928 alleles (0.00019%); highest among the groups gnomAD compares: Non-Finnish European, 0.00025%; no homozygotes.

Submissions (2):

Genomenon, Inc
Classification: Uncertain significance for Familial intrahepatic cholestasis; Low phospholipid associated cholelithiasis. Last evaluated: 2026-04-14. Review status: criteria provided, single submitter. Criteria: Genomenon Sequence Variant Interpretation Standards - Updated. Collection method: curation. Allele origin: germline. Affected: no.
Comment: ABCB4 p.Val1270Phe (c.3808G>T) is a missense variant that changes the amino acid at residue 1270 from Valine to Phenylalanine. This variant has been reported in the published literature (PMID:29517769). It is absent or not present at a significant frequency in gnomAD. In conclusion, we classify ABCB4 p.Val1270Phe (c.3808G>T) as a variant of uncertain significance.

Revvity Omics, Revvity
Classification: Uncertain significance. Last evaluated: 2025-06-03. Review status: criteria provided, single submitter. Criteria: ACMG Guidelines, 2015. Collection method: clinical testing. Allele origin: germline.

Literature cited by the submitters: PubMed 29517769 (cited by Genomenon, Inc).

NM_000443.4(ABCB4):c.3808G>T (p.Val1270Phe)

Gene: ABCB4 (ATP binding cassette subfamily B member 4; minus strand). Cytogenetic location: 7q21.12.
Variant type: single nucleotide variant.
Coding change: c.3808G>T on transcript NM_000443.4 (MANE Select); coding-DNA position 3808, G replaced by T.
Protein change: p.Val1270Phe; replaces valine 1270 with phenylalanine.
Molecular consequence: missense variant.
Genome position (GRCh38, 1-based): chr7:87,402,128, C>A on the plus strand (G>T on the coding strand, the complement: ABCB4 is on the minus strand). VCF-style: chr7-87402128-C-A. GRCh37 (hg19) VCF-style: chr7-87031444-C-A.
Other names: c.3829G>T, p.Val1277Phe (NM_018849.3); c.3667G>T, p.Val1223Phe (NM_018850.3); short protein forms V1223F, V1270F, V1277F.
Identifiers: ClinVar variation 4077765 (VCV004077765.2).